The following is an entry in ClinVar:

ClinVar aggregate classification (germline): Pathogenic (1 of 4 stars; one submission).

Submission:

Labcorp Genetics (formerly Invitae), Labcorp
Classification: Pathogenic. Last evaluated: 2021-02-19. Review status: criteria provided, single submitter. Criteria: Invitae Variant Classification Sherloc (09022015). Collection method: clinical testing. Allele origin: germline.
Comment: This sequence change creates a premature translational stop signal (p.Lys517*) in the COL4A5 gene. It is expected to result in an absent or disrupted protein product. Loss-of-function variants in COL4A5 are known to be pathogenic (PMID: 9195222, 10752524, 14514738, 24854265, 26809805). This variant is not present in population databases (ExAC no frequency). This variant has not been reported in the literature in individuals with COL4A5-related conditions. For these reasons, this variant has been classified as Pathogenic.

Literature cited by the submitters: PubMed 9195222; PubMed 10752524; PubMed 14514738; PubMed 24854265; PubMed 26809805.

NM_033380.3(COL4A5):c.1549A>T (p.Lys517Ter)

Gene: COL4A5 (collagen type IV alpha 5 chain; plus strand). Cytogenetic location: Xq22.3.
Variant type: single nucleotide variant.
Coding change: c.1549A>T on transcript NM_033380.3 (MANE Select); coding-DNA position 1549, A replaced by T.
Protein change: p.Lys517Ter; replaces lysine 517 with a stop codon.
Molecular consequence: nonsense.
Genome position (GRCh38, 1-based): chrX:108,597,030, A>T. VCF-style: chrX-108597030-A-T. GRCh37 (hg19) VCF-style: chrX-107840260-A-T.
Other names: c.1549A>T, p.Lys517Ter (NM_000495.5); short protein forms K517*.
Identifiers: ClinVar variation 1391710 (VCV001391710.6), dbSNP rs2147809122, ClinGen allele CA413845110.